The following is an entry in ClinVar:

ClinVar aggregate classification (germline): Uncertain significance. Review status: criteria provided, multiple submitters, no conflicts (2 of 4 stars). 3 submissions from 3 submitters: Uncertain significance (3). Last evaluated 2024-10-25.

Conditions:
Developmental and epileptic encephalopathy, 23 (DEE23). Also called: Epileptic encephalopathy, early infantile, 23. Identifiers: Orphanet 411986, MedGen C4014492, MONDO:0014371, OMIM 615859.

Allele frequency attached by ClinVar (database versions not stated): gnomAD 0.00001; gnomAD exomes 0.00001; TOPMed 0.00001; ExAC 0.00002.
gnomAD v4.1: 43 of 1,613,636 alleles (0.0027%); highest among the groups gnomAD compares: Non-Finnish European, 0.0032%; no homozygotes.

Submissions (3):

Labcorp Genetics (formerly Invitae), Labcorp
Classification: Uncertain significance for Developmental and epileptic encephalopathy, 23. Last evaluated: 2024-10-25. Review status: criteria provided, single submitter. Criteria: Invitae Variant Classification Sherloc (09022015). Collection method: clinical testing. Allele origin: germline.
Comment: This sequence change replaces arginine, which is basic and polar, with glutamine, which is neutral and polar, at codon 787 of the DOCK7 protein (p.Arg787Gln). This variant is present in population databases (rs748112814, gnomAD 0.002%). This variant has not been reported in the literature in individuals affected with DOCK7-related conditions. ClinVar contains an entry for this variant (Variation ID: 948942). Invitae Evidence Modeling of protein sequence and biophysical properties (such as structural, functional, and spatial information, amino acid conservation, physicochemical variation, residue mobility, and thermodynamic stability) indicates that this missense variant is not expected to disrupt DOCK7 protein function with a negative predictive value of 80%. In summary, the available evidence is currently insufficient to determine the role of this variant in disease. Therefore, it has been classified as a Variant of Uncertain Significance.

Genome-Nilou Lab
Classification: Uncertain significance for Developmental and epileptic encephalopathy, 23. Last evaluated: 2023-04-11. Review status: criteria provided, single submitter. Criteria: ACMG Guidelines, 2015. Collection method: clinical testing. Allele origin: germline. Affected: no.

Revvity Omics, Revvity
Classification: Uncertain significance for Developmental and epileptic encephalopathy, 23. Last evaluated: 2019-04-26. Review status: criteria provided, single submitter. Criteria: ACMG Guidelines, 2015. Collection method: clinical testing. Allele origin: germline.

NM_001367561.1(DOCK7):c.2360G>A (p.Arg787Gln)

Gene: DOCK7 (dedicator of cytokinesis 7; minus strand). Cytogenetic location: 1p31.3.
Variant type: single nucleotide variant.
Coding change: c.2360G>A on transcript NM_001367561.1 (MANE Select); coding-DNA position 2360, G replaced by A.
Protein change: p.Arg787Gln; replaces arginine 787 with glutamine.
Molecular consequence: missense variant.
Genome position (GRCh38, 1-based): chr1:62,559,060, C>T on the plus strand (G>A on the coding strand, the complement: DOCK7 is on the minus strand). VCF-style: chr1-62559060-C-T. GRCh37 (hg19) VCF-style: chr1-63024731-C-T.
Other names: c.2360G>A, p.Arg787Gln (NM_001271999.2, NM_001272000.2, NM_001272001.2 and 2 more transcripts); short protein forms R787Q.
Identifiers: ClinVar variation 948942 (VCV000948942.12), dbSNP rs748112814, ClinGen allele CA886298.